The following is an entry in ClinVar:

ClinVar aggregate classification (germline): Pathogenic/Likely pathogenic. Review status: criteria provided, multiple submitters, no conflicts (2 of 4 stars). 2 submissions from 2 submitters: Pathogenic (1); Likely pathogenic (1). Last evaluated 2024-03-16.

Conditions:
Marfan syndrome (MFS). Also called: Marfan syndrome, classic; Marfan syndrome type 1; Marfan's syndrome; MARFAN SYNDROME, TYPE I; FBN1-Related Marfan Syndrome. Identifiers: Orphanet 284963, Orphanet 558, MedGen C0024796, MONDO:0007947, OMIM 154700.
Familial thoracic aortic aneurysm and aortic dissection (TAAD). Also called: Thoracic aortic aneurysms and dissections. Identifiers: Orphanet 91387, MedGen C4707243, MONDO:0019625.

Submissions (2):

Labcorp Genetics (formerly Invitae), Labcorp
Classification: Pathogenic for Marfan syndrome; Familial thoracic aortic aneurysm and aortic dissection. Last evaluated: 2024-03-16. Review status: criteria provided, single submitter. Criteria: Invitae Variant Classification Sherloc (09022015). Collection method: clinical testing. Allele origin: germline.
Comment: This sequence change replaces cysteine, which is neutral and slightly polar, with arginine, which is basic and polar, at codon 769 of the FBN1 protein (p.Cys769Arg). This variant is not present in population databases (gnomAD no frequency). This missense change has been observed in individuals with Marfan syndrome (PMID: 17627385; Invitae). ClinVar contains an entry for this variant (Variation ID: 406272). Advanced modeling of protein sequence and biophysical properties (such as structural, functional, and spatial information, amino acid conservation, physicochemical variation, residue mobility, and thermodynamic stability) performed at Invitae indicates that this missense variant is expected to disrupt FBN1 protein function with a positive predictive value of 95%. This variant affects a cysteine residue in the EGF-like, TGFBP or hybrid motif domains of FBN1. Cysteine residues are believed to be involved in intramolecular disulfide bridges and have been shown to be important for FBN1 protein structure (PMID: 16905551, 19349279). In addition, missense substitutions affecting cysteine residues within these domains are significantly overrepresented among patients with Marfan syndrome (PMID: 16571647, 17701892). This variant disrupts the p.Cys769 amino acid residue in FBN1. Other variant(s) that disrupt this residue have been observed in individuals with FBN1-related conditions (PMID: 17253931, 19293843, 20564469, 25907466), which suggests that this may be a clinically significant amino acid residue. For these reasons, this variant has been classified as Pathogenic.

3billion
Classification: Likely pathogenic for Marfan syndrome. Last evaluated: 2022-05-22. Review status: criteria provided, single submitter. Criteria: ACMG Guidelines, 2015. Collection method: clinical testing. Allele origin: germline. Affected: yes. Observed: 1 heterozygote.
Comment: The variant is not observed in the gnomAD v2.1.1 dataset. In silico tool predictions suggest damaging effect of the variant on gene or gene product (REVEL: 0.98; 3Cnet: 0.99). Same nucleotide change resulting in same amino acid change has been previously reported to be associated with FBN1 related disorder (ClinVar ID: VCV000406272 / PMID: 17627385). Different missense changes at the same codon (p.Cys769Phe, p.Cys769Tyr) have been reported as pathogenic/likely pathogenic with strong evidence (ClinVar ID: VCV000199995, VCV000571004). Therefore, this variant is classified as likely pathogenic according to the recommendation of ACMG/AMP guideline.

Literature cited by the submitters: PubMed 17627385 (cited by Labcorp Genetics (formerly Invitae), Labcorp and 3billion); PubMed 16905551 (cited by Labcorp Genetics (formerly Invitae), Labcorp); PubMed 19349279 (cited by Labcorp Genetics (formerly Invitae), Labcorp); PubMed 16571647 (cited by Labcorp Genetics (formerly Invitae), Labcorp); PubMed 17701892 (cited by Labcorp Genetics (formerly Invitae), Labcorp); PubMed 17253931 (cited by Labcorp Genetics (formerly Invitae), Labcorp); PubMed 19293843 (cited by Labcorp Genetics (formerly Invitae), Labcorp); PubMed 20564469 (cited by Labcorp Genetics (formerly Invitae), Labcorp); PubMed 25907466 (cited by Labcorp Genetics (formerly Invitae), Labcorp).

NM_000138.5(FBN1):c.2305T>C (p.Cys769Arg)

Gene: FBN1 (fibrillin 1; minus strand). Cytogenetic location: 15q21.1.
Variant type: single nucleotide variant.
Coding change: c.2305T>C on transcript NM_000138.5 (MANE Select); coding-DNA position 2305, T replaced by C.
Protein change: p.Cys769Arg; replaces cysteine 769 with arginine.
Molecular consequence: missense variant.
Genome position (GRCh38, 1-based): chr15:48,496,214, A>G on the plus strand (T>C on the coding strand, the complement: FBN1 is on the minus strand). VCF-style: chr15-48496214-A-G. GRCh37 (hg19) VCF-style: chr15-48788411-A-G.
Other names: short protein forms C769R.
Identifiers: ClinVar variation 406272 (VCV000406272.7), dbSNP rs1060501022, ClinGen allele CA16614664.
Genomic context (GRCh38, chr15:48,496,214, plus strand): 5'-CAAAACTTCCAGGAGTATTTCTACATTGTCCATTGTCACAAAGGAGACTGTTCAGTACAC[A>G]TTCATTAATATCTGCAAAGTCAATGAAAATAAACACTTAAAAAGGGCCCAAACTTTGCCT-3'
Protein context (NP_000129.3, residues 759-779): TGKNCVDINE[Cys769Arg]VLNSLLCDNG